The following is an entry in ClinVar:

NM_152618.3(BBS12):c.1399G>A (p.Asp467Asn)

Gene: BBS12 (Bardet-Biedl syndrome 12; plus strand). Cytogenetic location: 4q27.
Variant type: single nucleotide variant.
Coding change: c.1399G>A on transcript NM_152618.3 (MANE Select); coding-DNA position 1399, G replaced by A.
Protein change: p.Asp467Asn; replaces aspartic acid 467 with asparagine.
Molecular consequence: missense variant.
Genome position (GRCh38, 1-based): chr4:122,743,291, G>A. VCF-style: chr4-122743291-G-A. GRCh37 (hg19) VCF-style: chr4-123664446-G-A.
Other names: c.1399G>A, p.Asp467Asn (NM_001178007.2); short protein forms D467N.
Identifiers: ClinVar variation 166727 (VCV000166727.29), dbSNP rs13135778, ClinGen allele CA179778.

ClinVar aggregate classification (germline): Benign/Likely benign. Review status: criteria provided, multiple submitters, no conflicts (2 of 4 stars). 14 submissions from 14 submitters: Benign (10); Likely benign (1). 3 of the submissions do not count toward it. Last evaluated 2026-05-18.

Conditions:
Bardet-Biedl syndrome (BBS). Identifiers: Orphanet 110, MedGen C0752166, MONDO:0015229.
Bardet-Biedl syndrome 1 (BBS1). Identifiers: MedGen C2936862, MONDO:0008854, OMIM 209900. Disease mechanism: loss of function.
Bardet-Biedl syndrome 12 (BBS12). Identifiers: Orphanet 110, MedGen C1859570, MONDO:0014440, OMIM 615989.

Allele frequency attached by ClinVar (database versions not stated): gnomAD 0.15716 and 0.15902; ExAC 0.16956; TOPMed 0.14629; 1000 Genomes Project 30x 0.09166; 1000 Genomes Project 0.09265; gnomAD exomes 0.16488 and 0.21024; ESP Exome Variant Server 0.17261.
gnomAD v4.1: 329,588 of 1,613,942 alleles (20%); highest among the groups gnomAD compares: Non-Finnish European, 23%; 37,042 homozygotes.

Submissions (14):

Women's Health and Genetics/Laboratory Corporation of America, LabCorp
Classification: Likely benign. Last evaluated: 2026-05-18. Review status: criteria provided, single submitter. Criteria: LabCorp Variant Classification Summary - May 2015. Collection method: clinical testing. Allele origin: germline.

Labcorp Genetics (formerly Invitae), Labcorp
Classification: Benign for Bardet-Biedl syndrome. Last evaluated: 2026-02-04. Review status: criteria provided, single submitter. Criteria: Invitae Variant Classification Sherloc (09022015). Collection method: clinical testing. Allele origin: germline.

Blueprint Genetics
Classification: Benign. Last evaluated: 2024-11-26. Review status: criteria provided, single submitter. Criteria: ACMG Guidelines, 2015. Collection method: clinical testing. Allele origin: germline.

Mayo Clinic Laboratories, Mayo Clinic
Classification: Benign. Last evaluated: 2022-03-09. Review status: criteria provided, single submitter. Criteria: ACMG Guidelines, 2015. Collection method: clinical testing. Allele origin: germline. Observed: 22 variant alleles.

Pars Genome Lab
Classification: Benign for Bardet-Biedl syndrome 12. Last evaluated: 2021-06-15. Review status: criteria provided, single submitter. Criteria: ACMG Guidelines, 2015. Collection method: clinical testing. Allele origin: germline. Affected: no.

GeneDx
Classification: Benign. Last evaluated: 2021-05-04. Review status: criteria provided, single submitter. Criteria: GeneDx Variant Classification Process June 2021. Collection method: clinical testing. Allele origin: germline. Affected: yes.

Illumina Laboratory Services, Illumina
Classification: Benign for Bardet-Biedl syndrome 12. Last evaluated: 2018-01-13. Review status: criteria provided, single submitter. Criteria: ICSL Variant Classification Criteria 13 December 2019. Collection method: clinical testing. Allele origin: germline.
Comment: This variant was observed in the ICSL laboratory as part of a predisposition screen in an ostensibly healthy population. It had not been previously curated by ICSL or reported in the Human Gene Mutation Database (HGMD: prior to June 1st, 2018), and was therefore a candidate for classification through an automated scoring system. Utilizing variant allele frequency, disease prevalence and penetrance estimates, and inheritance mode, an automated score was calculated to assess if this variant is too frequent to cause the disease. Based on the score and internal cut-off values, a variant classified as benign is not then subjected to further curation. The score for this variant resulted in a classification of benign for this disease.

Clinical Genetics DNA and cytogenetics Diagnostics Lab, Erasmus MC, Erasmus Medical Center
Classification: Benign for Bardet-Biedl syndrome 1. Last evaluated: 2015-09-21. Review status: criteria provided, single submitter. Criteria: ACGS Guidelines, 2013. Collection method: clinical testing. Allele origin: germline. Affected: yes. Study: VKGL Data-share Consensus.

Eurofins Ntd Llc (ga)
Classification: Benign. Last evaluated: 2014-01-21. Review status: criteria provided, single submitter. Criteria: EGL Classification Definitions 2015. Collection method: clinical testing. Allele origin: germline. Observed: 2 variant alleles, 1 heterozygote, 1 homozygote.

Breakthrough Genomics
Classification: Benign. Review status: criteria provided, single submitter. Criteria: ACMG Guidelines, 2015. Collection method: not provided. Allele origin: germline. Inheritance: Autosomal recessive inheritance. Affected: yes.

PreventionGenetics, part of Exact Sciences
Classification: Benign. Review status: criteria provided, single submitter. Criteria: ACMG Guidelines, 2015. Collection method: clinical testing. Allele origin: germline.

Natera, Inc.
Classification: Benign for Bardet-Biedl syndrome type 12. Last evaluated: 2020-09-16. Review status: no assertion criteria provided. Collection method: clinical testing. Allele origin: germline. Not counted in ClinVar's aggregate classification.

Diagnostic Laboratory, Department of Genetics, University Medical Center Groningen
Classification: Benign for Bardet-Biedl syndrome 1. Review status: no assertion criteria provided. Collection method: clinical testing. Allele origin: germline. Affected: yes. Study: VKGL Data-share Consensus. Not counted in ClinVar's aggregate classification.

Joint Genome Diagnostic Labs from Nijmegen and Maastricht, Radboudumc and MUMC+
Classification: Benign. Review status: no assertion criteria provided. Collection method: clinical testing. Allele origin: germline. Affected: yes. Study: VKGL Data-share Consensus. Not counted in ClinVar's aggregate classification.